The following is an entry in ClinVar:

ClinVar aggregate classification (germline): Uncertain significance. Review status: criteria provided, multiple submitters, no conflicts (2 of 4 stars). 2 submissions from 2 submitters: Uncertain significance (2). Last evaluated 2025-12-09.

Conditions:
Inborn genetic diseases. Identifiers: MedGen C0950123, MeSH D030342.

gnomAD v4.1: 2 of 1,613,948 alleles (0.00012%); highest among the groups gnomAD compares: Admixed American, 0.0033%; no homozygotes.

Submissions (2):

Ambry Genetics
Classification: Uncertain significance for Inborn genetic diseases. Last evaluated: 2025-12-09. Review status: criteria provided, single submitter. Criteria: Ambry Variant Classification Scheme 2023. Collection method: clinical testing. Allele origin: germline.

Labcorp Genetics (formerly Invitae), Labcorp
Classification: Uncertain significance. Last evaluated: 2024-12-19. Review status: criteria provided, single submitter. Criteria: Invitae Variant Classification Sherloc (09022015). Collection method: clinical testing. Allele origin: germline.
Comment: This sequence change replaces methionine, which is neutral and non-polar, with isoleucine, which is neutral and non-polar, at codon 2282 of the TRRAP protein (p.Met2282Ile). This variant is present in population databases (no rsID available, gnomAD 0.006%). This variant has not been reported in the literature in individuals affected with TRRAP-related conditions. Invitae Evidence Modeling of protein sequence and biophysical properties (such as structural, functional, and spatial information, amino acid conservation, physicochemical variation, residue mobility, and thermodynamic stability) indicates that this missense variant is not expected to disrupt TRRAP protein function with a negative predictive value of 80%. In summary, the available evidence is currently insufficient to determine the role of this variant in disease. Therefore, it has been classified as a Variant of Uncertain Significance.

NM_001375524.1(TRRAP):c.6921G>C (p.Met2307Ile)

Gene: TRRAP (transformation/transcription domain associated protein; plus strand). Cytogenetic location: 7q22.1.
Variant type: single nucleotide variant.
Coding change: c.6921G>C on transcript NM_001375524.1 (MANE Select); coding-DNA position 6921, G replaced by C.
Protein change: p.Met2307Ile; replaces methionine 2307 with isoleucine.
Molecular consequence: missense variant.
Genome position (GRCh38, 1-based): chr7:98,964,720, G>C. VCF-style: chr7-98964720-G-C. GRCh37 (hg19) VCF-style: chr7-98562343-G-C.
Other names: c.6900G>C, p.Met2300Ile (NM_001244580.2); c.6846G>C, p.Met2282Ile (NM_003496.4); c.6900G>C (NM_001244580.1); short protein forms M2282I, M2300I, M2307I.
Identifiers: ClinVar variation 3609830 (VCV003609830.3).
Genomic context (GRCh38, chr7:98,964,720, plus strand): 5'-CAACAACCCCAGCTACATAGACAGGCTGATCTCCGTCTTTATGCGCTCCCTGCAGAAGAT[G>C]GTCCGGGAGCATTTAAACCCTCAGGCAGCGTCAGGAAGCACCGAAGCCACCTCAGGTGAT-3'
Protein context (NP_001362453.1, residues 2297-2317): ISVFMRSLQK[Met2307Ile]VREHLNPQAA